The following is an entry in ClinVar:

NM_017534.6(MYH2):c.3872G>T (p.Gly1291Val)

Genes: MYHAS (myosin heavy chain gene cluster antisense RNA; plus strand), MYH2 (myosin heavy chain 2; minus strand). Cytogenetic location: 17p13.1.
Variant type: single nucleotide variant.
Coding change: c.3872G>T on transcript NM_017534.6 (MANE Select); coding-DNA position 3872, G replaced by T.
Protein change: p.Gly1291Val; replaces glycine 1291 with valine.
Molecular consequence: missense variant.
Genome position (GRCh38, 1-based): chr17:10,527,056, C>A on the plus strand (G>T on the coding strand, the complement: MYH2 is on the minus strand). VCF-style: chr17-10527056-C-A. GRCh37 (hg19) VCF-style: chr17-10430373-C-A.
Other names: c.3872G>T, p.Gly1291Val (NM_001100112.2); short protein forms G1291V.
Identifiers: ClinVar variation 574711 (VCV000574711.6), dbSNP rs747924610, ClinGen allele CA287737852.

ClinVar aggregate classification (germline): Uncertain significance (1 of 4 stars; one submission).

Conditions:
Myopathy, proximal, and ophthalmoplegia (CMYO6). Also called: MYOPATHY WITH CONGENITAL JOINT CONTRACTURES, OPHTHALMOPLEGIA, AND RIMMED VACUOLES; INCLUSION BODY MYOPATHY 3, AUTOSOMAL DOMINANT; CONGENITAL MYOPATHY 6 WITH OPHTHALMOPLEGIA. Identifiers: Orphanet 363677, Orphanet 79091, MedGen C1854106, MONDO:0011577, OMIM 605637.

Allele frequency attached by ClinVar (database versions not stated): gnomAD exomes below 0.00001 and 0.00001.
gnomAD v4.1: 19 of 1,613,306 alleles (0.0012%); highest among the groups gnomAD compares: Admixed American, 0.0017%; no homozygotes.

Submission:

Labcorp Genetics (formerly Invitae), Labcorp
Classification: Uncertain significance for Myopathy, proximal, and ophthalmoplegia. Last evaluated: 2022-06-03. Review status: criteria provided, single submitter. Criteria: Invitae Variant Classification Sherloc (09022015). Collection method: clinical testing. Allele origin: germline.
Comment: In summary, the available evidence is currently insufficient to determine the role of this variant in disease. Therefore, it has been classified as a Variant of Uncertain Significance. This sequence change replaces glycine, which is neutral and non-polar, with valine, which is neutral and non-polar, at codon 1291 of the MYH2 protein (p.Gly1291Val). The frequency data for this variant in the population databases is considered unreliable, as metrics indicate poor data quality at this position in the gnomAD database. This variant has not been reported in the literature in individuals affected with MYH2-related conditions. ClinVar contains an entry for this variant (Variation ID: 574711). Algorithms developed to predict the effect of missense changes on protein structure and function (SIFT, PolyPhen-2, Align-GVGD) all suggest that this variant is likely to be disruptive. Algorithms developed to predict the effect of sequence changes on RNA splicing suggest that this variant may disrupt the consensus splice site.